The following is an entry in ClinVar:

NM_000059.4(BRCA2):c.6328G>C (p.Asp2110His)

Gene: BRCA2 (BRCA2 DNA repair associated; plus strand). Cytogenetic location: 13q13.1.
Variant type: single nucleotide variant.
Coding change: c.6328G>C on transcript NM_000059.4 (MANE Select); coding-DNA position 6328, G replaced by C.
Protein change: p.Asp2110His; replaces aspartic acid 2110 with histidine.
Molecular consequence: missense variant.
Genome position (GRCh38, 1-based): chr13:32,340,683, G>C. VCF-style: chr13-32340683-G-C. GRCh37 (hg19) VCF-style: chr13-32914820-G-C.
Other names: short protein forms D2110H.
Identifiers: ClinVar variation 826325 (VCV000826325.13), dbSNP rs1593908267, ClinGen allele CA387789075.

ClinVar aggregate classification (germline): Conflicting classifications of pathogenicity. Review status: criteria provided, conflicting classifications (1 of 4 stars). 5 submissions from 5 submitters: Uncertain significance (4); Likely benign (1). Last evaluated 2023-03-23.

Conditions:
Hereditary breast ovarian cancer syndrome. Also called: Hereditary breast and ovarian cancer syndrome; Hereditary breast and ovarian cancer; Hereditary breast and ovarian cancer syndrome (HBOC); Breast and ovarian cancer; Hereditary breast and/or ovarian cancer syndrome; BRCA1- and BRCA2-Associated Hereditary Breast and Ovarian Cancer. Identifiers: Orphanet 145, MedGen C0677776, MeSH D061325, MONDO:0003582. Disease mechanism: loss of function.
Hereditary cancer-predisposing syndrome. Also called: Neoplastic Syndromes, Hereditary; Tumor predisposition; Hereditary neoplastic syndrome; Hereditary Cancer Syndrome. Identifiers: Orphanet 140162, MedGen C0027672, MeSH D009386, MONDO:0015356.

Submissions (5):

University of Washington Department of Laboratory Medicine, University of Washington
Classification: Likely benign for Hereditary cancer-predisposing syndrome. Last evaluated: 2023-03-23. Review status: criteria provided, single submitter. Criteria: Dines et al. (Genet Med. 2020). Collection method: curation. Allele origin: germline.
Comment: Missense variant in a coldspot region where missense variants are very unlikely to be pathogenic (PMID:31911673).

BRCA2 exon 11 coldspot. Reclassification based on statistical prior probability.

Ambry Genetics
Classification: Uncertain significance for Hereditary cancer-predisposing syndrome. Last evaluated: 2023-03-21. Review status: criteria provided, single submitter. Criteria: Ambry Variant Classification Scheme 2023. Collection method: clinical testing. Allele origin: germline.
Comment: The p.D2110H variant (also known as c.6328G>C), located in coding exon 10 of the BRCA2 gene, results from a G to C substitution at nucleotide position 6328. The aspartic acid at codon 2110 is replaced by histidine, an amino acid with similar properties. This amino acid position is not well conserved in available vertebrate species. In addition, this alteration is predicted to be tolerated by in silico analysis. Since supporting evidence is limited at this time, the clinical significance of this alteration remains unclear.

Labcorp Genetics (formerly Invitae), Labcorp
Classification: Uncertain significance for Hereditary breast ovarian cancer syndrome. Last evaluated: 2022-03-27. Review status: criteria provided, single submitter. Criteria: Invitae Variant Classification Sherloc (09022015). Collection method: clinical testing. Allele origin: germline.
Comment: This variant is not present in population databases (gnomAD no frequency). In summary, the available evidence is currently insufficient to determine the role of this variant in disease. Therefore, it has been classified as a Variant of Uncertain Significance. Advanced modeling of protein sequence and biophysical properties (such as structural, functional, and spatial information, amino acid conservation, physicochemical variation, residue mobility, and thermodynamic stability) performed at Invitae indicates that this missense variant is not expected to disrupt BRCA2 protein function. ClinVar contains an entry for this variant (Variation ID: 826325). This variant has not been reported in the literature in individuals affected with BRCA2-related conditions. This sequence change replaces aspartic acid, which is acidic and polar, with histidine, which is basic and polar, at codon 2110 of the BRCA2 protein (p.Asp2110His).

Women's Health and Genetics/Laboratory Corporation of America, LabCorp
Classification: Uncertain significance. Last evaluated: 2021-10-28. Review status: criteria provided, single submitter. Criteria: LabCorp Variant Classification Summary - May 2015. Collection method: clinical testing. Allele origin: germline.

Sema4
Classification: Uncertain significance for Hereditary cancer-predisposing syndrome. Last evaluated: 2021-06-15. Review status: criteria provided, single submitter. Criteria: Sema4 Curation Guidelines. Collection method: curation. Allele origin: germline.
Comment: The BRCA2 c.6328G>C (p.D2110H) variant has been reported in at least one individual with breast cancer (PMID: 33471991). It was not observed in the large and broad cohorts of the Genome Aggregation Database (PMID: 32461654). The variant has been reported in ClinVar (Variation ID 826325). In silico tools suggest the impact of the variant on protein function is inconclusive, though these predictions have not been confirmed by functional studies. The evidence is insufficient to meet ACMG/AMP criteria for classifying the variant as benign or pathogenic. Thus, the clinical significance of this variant is currently uncertain.

Literature cited by the submitters: PubMed 33471991 (cited by Sema4).